The following is an entry in ClinVar:

ClinVar aggregate classification (germline): Conflicting classifications of pathogenicity. Review status: criteria provided, conflicting classifications (1 of 4 stars). 12 submissions from 12 submitters: Uncertain significance (4); Likely benign (5). 3 of the submissions do not count toward it. Last evaluated 2025-11-17.

Conditions:
BRCA1-related disorder. Also called: BRCA1-related condition.
Hereditary cancer-predisposing syndrome. Also called: Tumor predisposition; Neoplastic Syndromes, Hereditary; Hereditary Cancer Syndrome; Hereditary neoplastic syndrome. Identifiers: Orphanet 140162, MedGen C0027672, MeSH D009386, MONDO:0015356.
Hereditary breast ovarian cancer syndrome. Also called: Hereditary breast and ovarian cancer syndrome (HBOC); Hereditary breast and ovarian cancer syndrome; Hereditary breast and ovarian cancer; Hereditary breast and/or ovarian cancer syndrome; Breast and ovarian cancer; BRCA1- and BRCA2-Associated Hereditary Breast and Ovarian Cancer. Identifiers: Orphanet 145, MedGen C0677776, MeSH D061325, MONDO:0003582. Disease mechanism: loss of function.
Breast-ovarian cancer, familial, susceptibility to, 1 (BROVCA1). Also called: OVARIAN CANCER, SUSCEPTIBILITY TO; BRCA1 Hereditary Breast and Ovarian Cancer. Identifiers: Orphanet 145, MedGen C2676676, MONDO:0011450, OMIM 604370. Disease mechanism: loss of function.

Allele frequency attached by ClinVar (database versions not stated): TOPMed 0.00003; gnomAD 0.00004.
gnomAD v4.1: 12 of 1,613,716 alleles (0.00074%); highest among the groups gnomAD compares: Non-Finnish European, 0.001%; no homozygotes.

Submissions (12):

Labcorp Genetics (formerly Invitae), Labcorp
Classification: Likely benign for Hereditary breast ovarian cancer syndrome. Last evaluated: 2025-11-17. Review status: criteria provided, single submitter. Criteria: Invitae Variant Classification Sherloc (09022015). Collection method: clinical testing. Allele origin: germline.

PreventionGenetics, part of Exact Sciences
Classification: Uncertain significance for BRCA1-related condition. Last evaluated: 2024-11-07. Review status: criteria provided, single submitter. Criteria: ACMG Guidelines, 2015. Collection method: clinical testing. Allele origin: germline.
Comment: The BRCA1 c.2473G>T variant is predicted to result in the amino acid substitution p.Asp825Tyr. This variant has been reported in a patient with early onset breast cancer and as a somatic variant in a patient with colorectal cancer (Maxwell et al. 2014. PubMed ID: 25503501; Giannakis et al. 2014. PubMed ID: 25344691). This variant is reported in 0.013% of alleles in individuals of European (Non-Finnish) descent in gnomAD. In ClinVar it has conflicting interpretations ranging from likely benign to variant of uncertain significance. Although we suspect that this variant may be benign, at this time, the clinical significance of this variant is uncertain due to the absence of conclusive functional and genetic evidence.

Women's Health and Genetics/Laboratory Corporation of America, LabCorp
Classification: Likely benign. Last evaluated: 2024-10-24. Review status: criteria provided, single submitter. Criteria: LabCorp Variant Classification Summary - May 2015. Collection method: clinical testing. Allele origin: germline.
Comment: Variant summary: BRCA1 c.2473G>T (p.Asp825Tyr) results in a non-conservative amino acid change in the encoded protein sequence. Three of five in-silico tools predict a benign effect of the variant on protein function. The variant was absent in 250906 control chromosomes. The available data on variant occurrences in the general population are insufficient to allow any conclusion about variant significance. c.2473G>T has been reported in the literature in individuals affected with Breast Cancer (Borg_2010). These report(s) do not provide unequivocal conclusions about association of the variant with Hereditary Breast And Ovarian Cancer Syndrome. At least one co-occurrences with another pathogenic variant(s) have been reported in the BIC Database (BRCA1 c.2468_2468delG, p.Arg823Lysfs), providing supporting evidence for a benign role. To our knowledge, no experimental evidence demonstrating an impact on protein function has been reported. The following publications have been ascertained in the context of this evaluation (PMID: 20104584, 16518693, 21520273, 12531920, 15385441, 15001988). ClinVar contains an entry for this variant (Variation ID: 54575). Based on the evidence outlined above, the variant was classified as likely benign.

Ambry Genetics
Classification: Uncertain significance for Hereditary cancer-predisposing syndrome. Last evaluated: 2024-04-26. Review status: criteria provided, single submitter. Criteria: Ambry Variant Classification Scheme 2023. Collection method: clinical testing. Allele origin: germline.
Comment: The p.D825Y variant (also known as c.2473G>T), located in coding exon 9 of the BRCA1 gene, results from a G to T substitution at nucleotide position 2473. The aspartic acid at codon 825 is replaced by tyrosine, an amino acid with highly dissimilar properties. In a population based cohort of 705 contralateral and 1398 unilateral breast cancer cases, this alteration was detected in one contralateral breast cancer case (Borg A et al. Hum. Mutat. 2010 Mar;31:E1200-40). Of note, this alteration is also designated as 2592G>T in published literature. This amino acid position is not well conserved in available vertebrate species. In addition, the in silico prediction for this alteration is inconclusive. Based on the available evidence, the clinical significance of this variant remains unclear.

Quest Diagnostics Nichols Institute San Juan Capistrano
Classification: Uncertain significance. Last evaluated: 2024-04-10. Review status: criteria provided, single submitter. Criteria: Quest Diagnostics criteria. Collection method: clinical testing. Allele origin: unknown.
Comment: The BRCA1 c.2473G>T (p.Asp825Tyr) variant has been reported in the published literature in an individual with breast cancer (PMID: 20104584 (2010)). This variant has also been reported to be located in a region of the BRCA1 gene that is tolerant to missense changes (PMID: 31911673 (2020)). The frequency of this variant in the general population, 0.000064 (2/31404 chromosomes (Genome Aggregation Database)), is uninformative in the assessment of its pathogenicity. Analysis of this variant using bioinformatics tools for the prediction of the effect of amino acid changes on protein structure and function yielded predictions that this variant is benign. Based on the available information, we are unable to determine the clinical significance of this variant.

University of Washington Department of Laboratory Medicine, University of Washington
Classification: Likely benign for Hereditary cancer-predisposing syndrome. Last evaluated: 2023-03-23. Review status: criteria provided, single submitter. Criteria: Dines et al. (Genet Med. 2020). Collection method: curation. Allele origin: germline.
Comment: Missense variant in a coldspot region where missense variants are very unlikely to be pathogenic (PMID:31911673).

BRCA1 coldspot (exon 11 using historical exon numbering). Reclassification based on statistical prior probability

Sema4
Classification: Uncertain significance for Hereditary cancer-predisposing syndrome. Last evaluated: 2021-11-15. Review status: criteria provided, single submitter. Criteria: Sema4 Curation Guidelines. Collection method: curation. Allele origin: germline.
Comment: The BRCA1 c.2473G>T (p.D825Y) variant has been reported in heterozygosity in at least one individual with breast cancer (PMID: 20104584). In the Breast Cancer Information Core, the variant was reported in a patient that also carried a BRCA1 frameshift mutation (PMID: 10923033). It was observed in 2/15434 chromosomes of the Non-Finnish European subpopulation in the large and broad cohorts of the Genome Aggregation Database (PMID: 32461654). The variant has been reported in ClinVar (Variation ID 54575). Functional studies have not been performed, and in silico predictions of the variant's effect on protein function are inconclusive. The evidence is insufficient to meet ACMG/AMP criteria for classifying the variant as benign or pathogenic. Thus, the clinical significance of this variant is currently uncertain.

GeneDx
Classification: Likely benign. Last evaluated: 2017-09-27. Review status: criteria provided, single submitter. Criteria: GeneDx Variant Classification (06012015). Collection method: clinical testing. Allele origin: germline. Affected: yes.
Comment: This variant is considered likely benign or benign based on one or more of the following criteria: it is a conservative change, it occurs at a poorly conserved position in the protein, it is predicted to be benign by multiple in silico algorithms, and/or has population frequency not consistent with disease.

Color Diagnostics, LLC DBA Color Health
Classification: Likely benign for Hereditary cancer-predisposing syndrome. Last evaluated: 2017-04-07. Review status: criteria provided, single submitter. Criteria: ACMG Guidelines, 2015. Collection method: clinical testing. Allele origin: germline.

Counsyl
Classification: Uncertain significance for Breast-ovarian cancer, familial, susceptibility to, 1. Last evaluated: 2016-11-11. Review status: no assertion criteria provided. Collection method: clinical testing. Allele origin: unknown. Not counted in ClinVar's aggregate classification.

Sharing Clinical Reports Project (SCRP)
Classification: Likely benign for Breast-ovarian cancer, familial 1. Last evaluated: 2012-07-17. Review status: no assertion criteria provided. Collection method: clinical testing. Allele origin: germline. Not counted in ClinVar's aggregate classification.

Breast Cancer Information Core (BIC) (BRCA1)
Classification: Uncertain significance for Breast-ovarian cancer, familial 1. Last evaluated: 1999-04-12. Review status: no assertion criteria provided. Collection method: clinical testing. Allele origin: germline. Affected: yes. Observed: 2 variant alleles. Not counted in ClinVar's aggregate classification.

Literature cited by the submitters: PubMed 16518693 (cited by 3 submitters); PubMed 15385441 (cited by Women's Health and Genetics/Laboratory Corporation of America, LabCorp and Quest Diagnostics Nichols Institute San Juan Capistrano); PubMed 20104584 (cited by 5 submitters); PubMed 12531920 (cited by 3 submitters); PubMed 15001988 (cited by Women's Health and Genetics/Laboratory Corporation of America, LabCorp and Ambry Genetics); PubMed 21520273 (cited by Women's Health and Genetics/Laboratory Corporation of America, LabCorp and Quest Diagnostics Nichols Institute San Juan Capistrano); PubMed 31911673 (cited by Quest Diagnostics Nichols Institute San Juan Capistrano); PubMed 10923033 (cited by Sema4).

NM_007294.4(BRCA1):c.2473G>T (p.Asp825Tyr)

Gene: BRCA1 (BRCA1 DNA repair associated; minus strand). Cytogenetic location: 17q21.31.
Variant type: single nucleotide variant.
Coding change: c.2473G>T on transcript NM_007294.4 (MANE Select); coding-DNA position 2473, G replaced by T.
Protein change: p.Asp825Tyr; replaces aspartic acid 825 with tyrosine.
Molecular consequence: missense variant. On other transcripts: intron variant (137).
Genome position (GRCh38, 1-based): chr17:43,093,058, C>A on the plus strand (G>T on the coding strand, the complement: BRCA1 is on the minus strand). VCF-style: chr17-43093058-C-A. GRCh37 (hg19) VCF-style: chr17-41245075-C-A.
Other names: 2592G>T; c.2260G>T, p.Asp754Tyr (NM_001407571.1, NM_001407853.1, NM_001407894.1 and 9 more transcripts); c.2473G>T, p.Asp825Tyr (NM_001407581.1, NM_001407582.1, NM_001407583.1 and 30 more transcripts); c.2470G>T, p.Asp824Tyr (NM_001407587.1, NM_001407590.1, NM_001407591.1 and 22 more transcripts); c.2464G>T, p.Asp822Tyr (NM_001407646.1, NM_001407647.1); c.2350G>T, p.Asp784Tyr (NM_001407648.1, NM_001407664.1, NM_001407665.1 and 19 more transcripts); c.2347G>T, p.Asp783Tyr (NM_001407649.1, NM_001407670.1, NM_001407671.1 and 11 more transcripts); c.2395G>T, p.Asp799Tyr (NM_001407653.1, NM_001407654.1, NM_001407655.1 and 4 more transcripts); and 42 more; short protein forms D825Y, D778Y, D713Y, D737Y, D754Y, D758Y, D777Y, D698Y.
Identifiers: ClinVar variation 54575 (VCV000054575.32), dbSNP rs80357328, ClinGen allele CA001643.